The following is an entry in ClinVar:

ClinVar aggregate classification (germline): Uncertain significance (1 of 4 stars; one submission).

Conditions:
Aicardi-Goutieres syndrome 5. Identifiers: Orphanet 51, MedGen C2749659, MONDO:0013059, OMIM 612952.

Allele frequency attached by ClinVar (database versions not stated): ExAC 0.00001; gnomAD exomes 0.00001.
gnomAD v4.1: 8 of 1,614,008 alleles (0.0005%); highest among the groups gnomAD compares: South Asian, 0.0088%; no homozygotes.

Submission:

Labcorp Genetics (formerly Invitae), Labcorp
Classification: Uncertain significance for Aicardi-Goutieres syndrome 5. Last evaluated: 2022-10-05. Review status: criteria provided, single submitter. Criteria: Invitae Variant Classification Sherloc (09022015). Collection method: clinical testing. Allele origin: germline.
Comment: This sequence change replaces arginine, which is basic and polar, with glycine, which is neutral and non-polar, at codon 611 of the SAMHD1 protein (p.Arg611Gly). This variant is present in population databases (rs760217203, gnomAD 0.006%). This variant has not been reported in the literature in individuals affected with SAMHD1-related conditions. Algorithms developed to predict the effect of missense changes on protein structure and function (SIFT, PolyPhen-2, Align-GVGD) all suggest that this variant is likely to be tolerated. In summary, the available evidence is currently insufficient to determine the role of this variant in disease. Therefore, it has been classified as a Variant of Uncertain Significance.

NM_015474.4(SAMHD1):c.1831C>G (p.Arg611Gly)

Genes: SAMHD1 (SAM and HD domain containing deoxynucleoside triphosphate triphosphohydrolase 1; minus strand), TLDC2 (TBC/LysM-associated domain containing 2; plus strand). Cytogenetic location: 20q11.23.
Variant type: single nucleotide variant.
Coding change: c.1831C>G on transcript NM_015474.4 (MANE Select); coding-DNA position 1831, C replaced by G.
Protein change: p.Arg611Gly; replaces arginine 611 with glycine.
Molecular consequence: missense variant. On other transcripts: 3 prime UTR variant (3).
Genome position (GRCh38, 1-based): chr20:36,892,982, G>C on the plus strand (C>G on the coding strand, the complement: SAMHD1 is on the minus strand). VCF-style: chr20-36892982-G-C. GRCh37 (hg19) VCF-style: chr20-35521385-G-C.
Other names: c.*138G>C (NM_001304783.1, NM_080628.3); c.1726C>G, p.Arg576Gly (NM_001363729.2); c.*924C>G (NM_001363733.2); short protein forms R576G, R611G.
Identifiers: ClinVar variation 2048179 (VCV002048179.1), dbSNP rs760217203, ClinGen allele CA9844404.
Genomic context (GRCh38, chr20:36,892,982, plus strand): 5'-CTACAGACATTCACATTGGGTCATCTTTAAAAAGCTGGACTCTGCTTTTGGATGCTTCTC[G>C]GAGGCGAGTTGGATTTTGGACTGAAGTACTGTCGTTCCATTCCTTTTTTTGAGGTGTTAT-3'
Protein context (NP_056289.2, residues 601-621): STSVQNPTRL[Arg611Gly]EASKSRVQLF